The following is an entry in ClinVar:

ClinVar aggregate classification (germline): Pathogenic (1 of 4 stars; one submission).

Conditions:
Oculodentodigital dysplasia, autosomal recessive. Also called: OCULODENTOOSSEOUS DYSPLASIA, AUTOSOMAL RECESSIVE; ODDD, AUTOSOMAL RECESSIVE; ODOD, AUTOSOMAL RECESSIVE. Identifiers: Orphanet 2710, MedGen C2749477, MONDO:0009768, OMIM 257850.

Submission:

Labcorp Genetics (formerly Invitae), Labcorp
Classification: Pathogenic for Oculodentodigital dysplasia, autosomal recessive. Last evaluated: 2025-09-29. Review status: criteria provided, single submitter. Criteria: Invitae Variant Classification Sherloc (09022015). Collection method: clinical testing. Allele origin: germline.
Comment: This sequence change replaces isoleucine, which is neutral and non-polar, with threonine, which is neutral and polar, at codon 130 of the GJA1 protein (p.Ile130Thr). This variant is not present in population databases (gnomAD no frequency). This missense change has been observed in individual(s) with autosomal dominant oculodentodigital dysplasia (PMID: 12457340, 18660473, 22826718). It has also been observed to segregate with disease in related individuals. ClinVar contains an entry for this variant (Variation ID: 470215). Invitae Evidence Modeling of protein sequence and biophysical properties (such as structural, functional, and spatial information, amino acid conservation, physicochemical variation, residue mobility, and thermodynamic stability) has been performed for this missense variant. However, the output from this modeling did not meet the statistical confidence thresholds required to predict the impact of this variant on GJA1 protein function. Experimental studies have shown that this missense change affects GJA1 function (PMID: 15879313, 18077386). For these reasons, this variant has been classified as Pathogenic.

Literature cited by the submitters: PubMed 12457340; PubMed 18660473; PubMed 22826718; PubMed 15879313; PubMed 18077386.

NM_000165.5(GJA1):c.389T>C (p.Ile130Thr)

Gene: GJA1 (gap junction protein alpha 1; plus strand). Cytogenetic location: 6q22.31.
Variant type: single nucleotide variant.
Coding change: c.389T>C on transcript NM_000165.5 (MANE Select); coding-DNA position 389, T replaced by C.
Protein change: p.Ile130Thr; replaces isoleucine 130 with threonine.
Molecular consequence: missense variant.
Genome position (GRCh38, 1-based): chr6:121,447,236, T>C. VCF-style: chr6-121447236-T-C. GRCh37 (hg19) VCF-style: chr6-121768382-T-C.
Other names: short protein forms I130T.
Identifiers: ClinVar variation 470215 (VCV000470215.7), dbSNP rs1554201017, ClinGen allele CA365558896.
Genomic context (GRCh38, chr6:121,447,236, plus strand): 5'-AGGAAGAACTCAAGGTTGCCCAAACTGATGGTGTCAATGTGGACATGCACTTGAAGCAGA[T>C]TGAGATAAAGAAGTTCAAGTACGGTATTGAAGAGCATGGTAAGGTGAAAATGCGAGGGGG-3'
Protein context (NP_000156.1, residues 120-140): GVNVDMHLKQ[Ile130Thr]EIKKFKYGIE